The following is an entry in ClinVar:

NM_000303.3(PMM2):c.414del (p.Glu139fs)

Gene: PMM2 (phosphomannomutase 2; plus strand). Cytogenetic location: 16p13.2.
Variant type: Deletion.
Coding change: c.414del on transcript NM_000303.3 (MANE Select); coding-DNA position 414, one base deleted (A; older notation c.414delA).
Protein change: p.Glu139fs; shifts the reading frame from glutamic acid 139.
Molecular consequence: frameshift variant.
Genome position (GRCh38, 1-based): chr16:8,811,145, A deleted; the last of 2 consecutive A bases (chr16:8,811,144-8,811,145); deleting either gives the same sequence. VCF-style (leftmost placement, unchanged base first): chr16-8811143-CA-C. GRCh37 (hg19) VCF-style: chr16-8905000-CA-C.
Other names: short protein forms E139fs.
Identifiers: ClinVar variation 370287 (VCV000370287.11), dbSNP rs755008774, ClinGen allele CA7894050.

ClinVar aggregate classification (germline): Pathogenic/Likely pathogenic. Review status: criteria provided, multiple submitters, no conflicts (2 of 4 stars). 6 submissions from 6 submitters: Pathogenic (2); Likely pathogenic (3). 1 of the submissions does not count toward it. Last evaluated 2025-08-17.

Conditions:
PMM2-congenital disorder of glycosylation. Also called: PMM2-CDG; Congenital disorder of glycosylation, type Ia; PHOSPHOMANNOMUTASE 2 DEFICIENCY; CARBOHYDRATE-DEFICIENT GLYCOPROTEIN SYNDROME, TYPE Ia; CDG Ia; JAEKEN SYNDROME. Identifiers: Orphanet 79318, MedGen C0349653, MONDO:0008907, OMIM 212065.
Inborn genetic diseases. Identifiers: MedGen C0950123, MeSH D030342.

Submissions (6):

Natera, Inc.
Classification: Likely pathogenic for Congenital disorder of glycosylation type 1a. Last evaluated: 2025-08-17. Review status: criteria provided, single submitter. Criteria: Natera Variant Classification Schema (03/2026). Collection method: clinical testing. Allele origin: germline.
Comment: The c.414delA variant in PMM2 is a frameshift variant predicted to shift the reading frame beginning at codon 139 and leads to a stop codon 15 codons downstream. This variant is expected to result in nonsense mediated decay, truncation, or a dysfunctional protein product. This variant is rare in the general population with a frequency below the threshold expected for the associated phenotype(s). Given the available evidence, this variant is classified as Likely Pathogenic.

Labcorp Genetics (formerly Invitae), Labcorp
Classification: Pathogenic for PMM2-congenital disorder of glycosylation. Last evaluated: 2024-02-10. Review status: criteria provided, single submitter. Criteria: Invitae Variant Classification Sherloc (09022015). Collection method: clinical testing. Allele origin: germline.
Comment: This sequence change creates a premature translational stop signal (p.Glu139Lysfs*15) in the PMM2 gene. It is expected to result in an absent or disrupted protein product. Loss-of-function variants in PMM2 are known to be pathogenic (PMID: 19862844). The frequency data for this variant in the population databases is considered unreliable, as metrics indicate poor data quality at this position in the gnomAD database. This variant has not been reported in the literature in individuals affected with PMM2-related conditions. ClinVar contains an entry for this variant (Variation ID: 370287). For these reasons, this variant has been classified as Pathogenic.

Baylor Genetics
Classification: Likely pathogenic for PMM2-congenital disorder of glycosylation. Last evaluated: 2023-10-30. Review status: criteria provided, single submitter. Criteria: ACMG Guidelines, 2015. Collection method: clinical testing. Allele origin: unknown.

Fulgent Genetics
Classification: Likely pathogenic for PMM2-congenital disorder of glycosylation. Last evaluated: 2022-01-04. Review status: criteria provided, single submitter. Criteria: ACMG Guidelines, 2015. Collection method: clinical testing. Allele origin: unknown.

Ambry Genetics
Classification: Pathogenic for Inborn genetic diseases. Last evaluated: 2021-06-25. Review status: criteria provided, single submitter. Criteria: Ambry Variant Classification Scheme 2023. Collection method: clinical testing. Allele origin: germline.
Comment: The c.414delA (p.E139Kfs*15) alteration, located in exon 5 (coding exon 5) of the PMM2 gene, consists of a deletion of one nucleotide at position 414, causing a translational frameshift with a predicted alternate stop codon after 15 amino acids. Frameshift alterations are typically deleterious in nature (Richards, 2015). Based on the available evidence, this alteration is classified as pathogenic.

Counsyl
Classification: Likely pathogenic for PMM2-congenital disorder of glycosylation. Last evaluated: 2015-12-31. Review status: no assertion criteria provided. Collection method: clinical testing. Allele origin: unknown. Not counted in ClinVar's aggregate classification.

Literature cited by the submitters: PubMed 19862844 (cited by Labcorp Genetics (formerly Invitae), Labcorp).